The following is an entry in ClinVar:

ClinVar aggregate classification (germline): Uncertain significance (1 of 4 stars; one submission).

Submission:

Labcorp Genetics (formerly Invitae), Labcorp
Classification: Uncertain significance. Last evaluated: 2024-01-12. Review status: criteria provided, single submitter. Criteria: Invitae Variant Classification Sherloc (09022015). Collection method: clinical testing. Allele origin: germline.
Comment: This sequence change replaces glutamic acid, which is acidic and polar, with lysine, which is basic and polar, at codon 3260 of the KMT2C protein (p.Glu3260Lys). This variant is not present in population databases (gnomAD no frequency). This variant has not been reported in the literature in individuals affected with KMT2C-related conditions. Advanced modeling of protein sequence and biophysical properties (such as structural, functional, and spatial information, amino acid conservation, physicochemical variation, residue mobility, and thermodynamic stability) performed at Invitae indicates that this missense variant is expected to disrupt KMT2C protein function with a positive predictive value of 80%. In summary, the available evidence is currently insufficient to determine the role of this variant in disease. Therefore, it has been classified as a Variant of Uncertain Significance.

NM_170606.3(KMT2C):c.9778G>A (p.Glu3260Lys)

Gene: KMT2C (lysine methyltransferase 2C; minus strand). Cytogenetic location: 7q36.1.
Variant type: single nucleotide variant.
Coding change: c.9778G>A on transcript NM_170606.3 (MANE Select); coding-DNA position 9778, G replaced by A.
Protein change: p.Glu3260Lys; replaces glutamic acid 3260 with lysine.
Molecular consequence: missense variant.
Genome position (GRCh38, 1-based): chr7:152,163,799, C>T on the plus strand (G>A on the coding strand, the complement: KMT2C is on the minus strand). VCF-style: chr7-152163799-C-T. GRCh37 (hg19) VCF-style: chr7-151860884-C-T.
Other names: short protein forms E3260K.
Identifiers: ClinVar variation 2707937 (VCV002707937.3), dbSNP rs2487693594, ClinGen allele CA370106093.
Genomic context (GRCh38, chr7:152,163,799, plus strand): 5'-TGGTAGGTGGGGCCATTGCACATTGCTGCTGCTGTTTGATCCGATAATCTTCAATCAATT[C>T]AGCATGTTCTTTCTGTTGTTTACGAATCTGGAATAACAAAATGCATCATTACTCATTTCT-3'
Protein context (NP_733751.2, residues 3250-3270): QIRKQQKEHA[Glu3260Lys]LIEDYRIKQQ